The following is an entry in ClinVar:

ClinVar aggregate classification (germline): Likely pathogenic (1 of 4 stars; one submission).

Conditions:
Neurodevelopmental disorder with microcephaly, arthrogryposis, and structural brain anomalies. Identifiers: Orphanet 664923, MedGen C5231431, MONDO:0032838, OMIM 618622.

Submission:

SIB Swiss Institute of Bioinformatics
Classification: Likely pathogenic for Neurodevelopmental disorder with microcephaly, arthrogryposis, and structural brain anomalies. Last evaluated: 2020-02-14. Review status: criteria provided, single submitter. Criteria: ACMG Guidelines, 2015. Collection method: curation. Allele origin: unknown.
Comment: This variant is interpreted as likely pathogenic for Neurodevelopmental disorder with microcephaly, arthrogryposis, and structural brain anomalies, autosomal recessive. The following ACMG Tag(s) were applied: PM2, PP1, PM3, PP3.

Literature cited by the submitters: PubMed 31495489.

NM_017951.5(SMPD4):c.575T>C (p.Leu192Pro)

Gene: SMPD4 (sphingomyelin phosphodiesterase 4; minus strand). Cytogenetic location: 2q21.1.
Variant type: single nucleotide variant.
Coding change: c.575T>C on transcript NM_017951.5 (MANE Select); coding-DNA position 575, T replaced by C.
Protein change: p.Leu192Pro; replaces leucine 192 with proline.
Molecular consequence: missense variant. On other transcripts: non-coding transcript variant (2).
Genome position (GRCh38, 1-based): chr2:130,172,433, A>G on the plus strand (T>C on the coding strand, the complement: SMPD4 is on the minus strand). VCF-style: chr2-130172433-A-G. GRCh37 (hg19) VCF-style: chr2-130930006-A-G.
Other names: c.473T>C, p.Leu158Pro (NM_001171083.2); c.692T>C, p.Leu231Pro (NM_017751.4); short protein forms L158P, L231P, L192P.
Identifiers: ClinVar variation 870338 (VCV000870338.1), dbSNP rs1688560182, ClinGen allele CA348480081.